The following is an entry in ClinVar:

ClinVar aggregate classification (germline): Uncertain significance (1 of 4 stars; one submission).

Submission:

GeneDx
Classification: Uncertain significance. Last evaluated: 2024-12-18. Review status: criteria provided, single submitter. Criteria: GeneDx Variant Classification Process June 2021. Collection method: clinical testing. Allele origin: germline. Affected: yes.
Comment: Not observed at significant frequency in large population cohorts (gnomAD); In silico analysis supports that this missense variant has a deleterious effect on protein structure/function; Has not been previously published as pathogenic or benign to our knowledge

NM_198503.5(KCNT2):c.1009C>T (p.Pro337Ser)

Gene: KCNT2 (potassium sodium-activated channel subfamily T member 2; minus strand). Cytogenetic location: 1q31.3.
Variant type: single nucleotide variant.
Coding change: c.1009C>T on transcript NM_198503.5 (MANE Select); coding-DNA position 1009, C replaced by T.
Protein change: p.Pro337Ser; replaces proline 337 with serine.
Molecular consequence: missense variant. On other transcripts: non-coding transcript variant (2).
Genome position (GRCh38, 1-based): chr1:196,425,964, G>A on the plus strand (C>T on the coding strand, the complement: KCNT2 is on the minus strand). VCF-style: chr1-196425964-G-A. GRCh37 (hg19) VCF-style: chr1-196395094-G-A.
Other names: c.1009C>T, p.Pro337Ser (NM_001287819.3, NM_001287820.3); short protein forms P337S.
Identifiers: ClinVar variation 3906319 (VCV003906319.1).